The following is an entry in ClinVar:

ClinVar aggregate classification (germline): Uncertain significance. Review status: criteria provided, multiple submitters, no conflicts (2 of 4 stars). 2 submissions from 2 submitters: Uncertain significance (2). Last evaluated 2023-09-03.

Conditions:
Hereditary cancer-predisposing syndrome. Also called: Tumor predisposition; Neoplastic Syndromes, Hereditary; Hereditary neoplastic syndrome; Hereditary Cancer Syndrome. Identifiers: Orphanet 140162, MedGen C0027672, MeSH D009386, MONDO:0015356.

Allele frequency attached by ClinVar (database versions not stated): gnomAD exomes below 0.00001; ExAC 0.00001.
gnomAD v4.1: 1 of 1,613,884 alleles (0.000062%); highest among the groups gnomAD compares: South Asian, 0.0011%; no homozygotes.

Submissions (2):

Labcorp Genetics (formerly Invitae), Labcorp
Classification: Uncertain significance. Last evaluated: 2023-09-03. Review status: criteria provided, single submitter. Criteria: Invitae Variant Classification Sherloc (09022015). Collection method: clinical testing. Allele origin: germline.
Comment: This sequence change replaces asparagine, which is neutral and polar, with lysine, which is basic and polar, at codon 1396 of the POLE protein (p.Asn1396Lys). This variant is present in population databases (rs766793509, gnomAD 0.003%). This variant has not been reported in the literature in individuals affected with POLE-related conditions. ClinVar contains an entry for this variant (Variation ID: 1516436). Advanced modeling of protein sequence and biophysical properties (such as structural, functional, and spatial information, amino acid conservation, physicochemical variation, residue mobility, and thermodynamic stability) performed at Invitae indicates that this missense variant is not expected to disrupt POLE protein function. In summary, the available evidence is currently insufficient to determine the role of this variant in disease. Therefore, it has been classified as a Variant of Uncertain Significance.

Ambry Genetics
Classification: Uncertain significance for Hereditary cancer-predisposing syndrome. Last evaluated: 2022-06-02. Review status: criteria provided, single submitter. Criteria: Ambry Variant Classification Scheme 2023. Collection method: clinical testing. Allele origin: germline.
Comment: The p.N1396K variant (also known as c.4188T>A), located in coding exon 33 of the POLE gene, results from a T to A substitution at nucleotide position 4188. The asparagine at codon 1396 is replaced by lysine, an amino acid with similar properties. This amino acid position is conserved. In addition, this alteration is predicted to be tolerated by in silico analysis. Since supporting evidence is limited at this time, the clinical significance of this alteration remains unclear.

NM_006231.4(POLE):c.4188T>A (p.Asn1396Lys)

Gene: POLE (DNA polymerase epsilon, catalytic subunit; minus strand). Cytogenetic location: 12q24.33.
Variant type: single nucleotide variant.
Coding change: c.4188T>A on transcript NM_006231.4 (MANE Select); coding-DNA position 4188, T replaced by A.
Protein change: p.Asn1396Lys; replaces asparagine 1396 with lysine.
Molecular consequence: missense variant.
Genome position (GRCh38, 1-based): chr12:132,643,939, A>T on the plus strand (T>A on the coding strand, the complement: POLE is on the minus strand). VCF-style: chr12-132643939-A-T. GRCh37 (hg19) VCF-style: chr12-133220525-A-T.
Other names: short protein forms N1396K.
Identifiers: ClinVar variation 1516436 (VCV001516436.8), dbSNP rs766793509, ClinGen allele CA6892947.